The following is an entry in ClinVar:

NM_021930.6(RINT1):c.1492A>G (p.Thr498Ala)

Gene: RINT1 (RAD50 interactor 1; plus strand). Cytogenetic location: 7q22.3.
Variant type: single nucleotide variant.
Coding change: c.1492A>G on transcript NM_021930.6 (MANE Select); coding-DNA position 1492, A replaced by G.
Protein change: p.Thr498Ala; replaces threonine 498 with alanine.
Molecular consequence: missense variant.
Genome position (GRCh38, 1-based): chr7:105,555,048, A>G. VCF-style: chr7-105555048-A-G. GRCh37 (hg19) VCF-style: chr7-105195495-A-G.
Other names: c.1258A>G, p.Thr420Ala (NM_001346599.2); c.469A>G, p.Thr157Ala (NM_001346600.2, NM_001346603.2); c.568A>G, p.Thr190Ala (NM_001346601.2); short protein forms T420A, T190A, T157A, T498A.
Identifiers: ClinVar variation 2836120 (VCV002836120.3), dbSNP rs2485149225, ClinGen allele CA368811247.
Genomic context (GRCh38, chr7:105,555,048, plus strand): 5'-GTACCAAAACCTTCATATGTCTTAATAACTTTTTCCACAGACAGGTATAAAAATCTTCCC[A>G]CAGCTTCCCGAAAGCTTCAGTTCCTGGAGTTACAGAAGGACTTAGTAGATGATTTTAGGA-3'
Protein context (NP_068749.3, residues 488-508): VITDRYKNLP[Thr498Ala]ASRKLQFLEL

ClinVar aggregate classification (germline): Uncertain significance (1 of 4 stars; one submission).

Submission:

Labcorp Genetics (formerly Invitae), Labcorp
Classification: Uncertain significance. Last evaluated: 2023-02-10. Review status: criteria provided, single submitter. Criteria: Invitae Variant Classification Sherloc (09022015). Collection method: clinical testing. Allele origin: germline.
Comment: Algorithms developed to predict the effect of missense changes on protein structure and function output the following: SIFT: "Tolerated"; PolyPhen-2: "Benign"; Align-GVGD: "Class C0". The alanine amino acid residue is found in multiple mammalian species, which suggests that this missense change does not adversely affect protein function. This sequence change replaces threonine, which is neutral and polar, with alanine, which is neutral and non-polar, at codon 498 of the RINT1 protein (p.Thr498Ala). This variant is not present in population databases (gnomAD no frequency). This variant has not been reported in the literature in individuals affected with RINT1-related conditions. In summary, the available evidence is currently insufficient to determine the role of this variant in disease. Therefore, it has been classified as a Variant of Uncertain Significance.